The following is an entry in ClinVar:

ClinVar aggregate classification (germline): Uncertain significance (1 of 4 stars; one submission).

Conditions:
Myopathy, tubular aggregate, 1 (TAM1). Identifiers: MedGen C4011726, MONDO:0024531, OMIM 160565.

Allele frequency attached by ClinVar (database versions not stated): ExAC 0.00003; TOPMed 0.00003 and 0.00004; gnomAD 0.00004.
gnomAD v4.1: 65 of 1,606,234 alleles (0.004%); highest among the groups gnomAD compares: African/African-American, 0.012%; no homozygotes.

Submission:

Baylor Genetics
Classification: Uncertain significance for Myopathy, tubular aggregate, 1. Last evaluated: 2019-08-15. Review status: criteria provided, single submitter. Criteria: ACMG Guidelines, 2015. Collection method: clinical testing. Allele origin: unknown. Affected: yes.
Comment: This variant was determined to be of uncertain significance according to ACMG Guidelines, 2015 [PMID:25741868].

NM_001382567.1(STIM1):c.1634+60G>A

Gene: STIM1 (stromal interaction molecule 1; plus strand). Cytogenetic location: 11p15.4.
Variant type: single nucleotide variant.
Coding change: c.1634+60G>A on transcript NM_001382567.1 (MANE Select); 60 bases into the intron after coding-DNA position 1634, G replaced by A.
Molecular consequence: intron variant. On other transcripts: missense variant (2).
Genome position (GRCh38, 1-based): chr11:4,086,603, G>A. VCF-style: chr11-4086603-G-A. GRCh37 (hg19) VCF-style: chr11-4107833-G-A.
Other names: c.1601G>A, p.Arg534His (NM_001277961.3); c.1379G>A, p.Arg460His (NM_001382566.1); c.1319+60G>A (NM_001382578.1, NM_001382575.1, NM_001382576.1 and 2 more transcripts); c.1052+60G>A (NM_001382580.1, NM_001382581.1); c.1562+60G>A (NM_001382568.1); c.1541+60G>A (NM_001277962.2, NM_003156.4); c.1313+60G>A (NM_001382570.1); c.1406+60G>A (NM_001382569.1); and 1 more; short protein forms R534H, R460H.
Identifiers: ClinVar variation 1031286 (VCV001031286.1), dbSNP rs748049243, ClinGen allele CA5830542.